The following is an entry in ClinVar:

ClinVar aggregate classification (germline): Likely benign (1 of 4 stars; one submission).

Submission:

CeGaT Center for Human Genetics Tuebingen
Classification: Likely benign. Last evaluated: 2024-11-01. Review status: criteria provided, single submitter. Criteria: CeGaT Center For Human Genetics Tuebingen Variant Classification Criteria Version 2. Collection method: clinical testing. Allele origin: germline. Affected: yes. Observed: 23 variant alleles.
Comment: ALK: BS2

NM_004304.5(ALK):c.3068-360_3068-357del

Gene: ALK (ALK receptor tyrosine kinase; minus strand). Cytogenetic location: 2p23.2.
Variant type: Microsatellite.
Coding change: c.3068-360_3068-357del on transcript NM_004304.5 (MANE Select); 360 bases into the intron before coding-DNA position 3068 through 357 bases into the intron before coding-DNA position 3068, 4 bases deleted (TTAC; older notation c.3068-360_3068-357delTTAC).
Molecular consequence: intron variant.
Genome position (GRCh38, 1-based): chr2:29,225,922-29,225,925, GTAA deleted on the plus strand (TTAC on the coding strand, the reverse complement: ALK is on the minus strand); deleting any 4 consecutive bases within chr2:29,225,922-29,225,929 gives the same sequence; the c. name uses the placement nearest the transcript's 3' end. VCF-style (leftmost placement, unchanged base first): chr2-29225921-TGTAA-T. GRCh37 (hg19) VCF-style: chr2-29448787-TGTAA-T.
Identifiers: ClinVar variation 2650797 (VCV002650797.24), dbSNP rs377107653, ClinGen allele CA44633598.